The following is an entry in ClinVar:

ClinVar aggregate classification (germline): Uncertain significance. Review status: criteria provided, multiple submitters, no conflicts (2 of 4 stars). 2 submissions from 2 submitters: Uncertain significance (2). Last evaluated 2022-11-23.

Conditions:
Cardiovascular phenotype. Identifiers: MedGen CN230736.

Allele frequency attached by ClinVar (database versions not stated): TOPMed below 0.00001.

Submissions (2):

Revvity Omics, Revvity
Classification: Uncertain significance. Last evaluated: 2022-11-23. Review status: criteria provided, single submitter. Criteria: ACMG Guidelines, 2015. Collection method: clinical testing. Allele origin: germline.

Ambry Genetics
Classification: Uncertain significance for Cardiovascular phenotype. Last evaluated: 2020-01-15. Review status: criteria provided, single submitter. Criteria: Ambry Variant Classification Scheme 2023. Collection method: clinical testing. Allele origin: germline.
Comment: The p.E110D variant (also known as c.330G>C), located in coding exon 1 of the FLNC gene, results from a G to C substitution at nucleotide position 330. The glutamic acid at codon 110 is replaced by aspartic acid, an amino acid with highly similar properties. This amino acid position is highly conserved in available vertebrate species. In addition, the in silico prediction for this alteration is inconclusive. Since supporting evidence is limited at this time, the clinical significance of this alteration remains unclear.

NM_001458.5(FLNC):c.330G>C (p.Glu110Asp)

Gene: FLNC (filamin C; plus strand). Cytogenetic location: 7q32.1.
Variant type: single nucleotide variant.
Coding change: c.330G>C on transcript NM_001458.5 (MANE Select); coding-DNA position 330, G replaced by C.
Protein change: p.Glu110Asp; replaces glutamic acid 110 with aspartic acid.
Molecular consequence: missense variant.
Genome position (GRCh38, 1-based): chr7:128,830,967, G>C. VCF-style: chr7-128830967-G-C. GRCh37 (hg19) VCF-style: chr7-128471021-G-C.
Other names: c.330G>C, p.Glu110Asp (NM_001127487.2); short protein forms E110D.
Identifiers: ClinVar variation 1730070 (VCV001730070.5), dbSNP rs931122078, ClinGen allele CA166207333.